The following is an entry in ClinVar:

ClinVar aggregate classification (germline): Conflicting classifications of pathogenicity. Review status: criteria provided, conflicting classifications (1 of 4 stars). 4 submissions from 4 submitters: Uncertain significance (2); Likely benign (2). Last evaluated 2025-12-11.

Conditions:
Hereditary cancer-predisposing syndrome. Also called: Tumor predisposition; Neoplastic Syndromes, Hereditary; Hereditary neoplastic syndrome; Hereditary Cancer Syndrome. Identifiers: Orphanet 140162, MedGen C0027672, MeSH D009386, MONDO:0015356.
Hereditary nonpolyposis colorectal neoplasms. Identifiers: MedGen C0009405, MeSH D003123.
Lynch syndrome 4 (LYNCH4). Also called: Colorectal cancer, hereditary nonpolyposis, type 4; Hereditary non-polyposis colorectal cancer, type 4. Identifiers: Orphanet 144, MedGen C1838333, MONDO:0013699, OMIM 614337. Disease mechanism: loss of function.

Submissions (4):

Ambry Genetics
Classification: Uncertain significance for Hereditary cancer-predisposing syndrome. Last evaluated: 2025-12-11. Review status: criteria provided, single submitter. Criteria: Ambry Variant Classification Scheme 2023. Collection method: clinical testing. Allele origin: germline.
Comment: The c.164-5T>C intronic variant results from a T to C substitution 5 nucleotides upstream from coding exon 3 in the PMS2 gene. This nucleotide position is not well conserved in available vertebrate species. In silico splice site analysis predicts that this alteration will not have any significant effect on splicing. Based on the available evidence, the clinical significance of this variant remains unclear.

Myriad Genetics, Inc.
Classification: Likely benign for Lynch syndrome 4. Last evaluated: 2025-01-23. Review status: criteria provided, single submitter. Criteria: Myriad Autosomal Dominant, Autosomal Recessive and X-Linked Classification Criteria (2023). Collection method: clinical testing. Allele origin: unknown.
Comment: This variant is considered likely benign. This variant is intronic and is not expected to impact mRNA splicing.

Labcorp Genetics (formerly Invitae), Labcorp
Classification: Likely benign for Hereditary nonpolyposis colorectal neoplasms. Last evaluated: 2022-07-19. Review status: criteria provided, single submitter. Criteria: Invitae Variant Classification Sherloc (09022015). Collection method: clinical testing. Allele origin: germline.

Eurofins Ntd Llc (ga)
Classification: Uncertain significance. Last evaluated: 2016-10-24. Review status: criteria provided, single submitter. Criteria: EGL Classification Definitions 2015. Collection method: clinical testing. Allele origin: germline. Observed: 1 variant allele, 1 heterozygote.

NM_000535.7(PMS2):c.164-5T>C

Gene: PMS2 (PMS1 homolog 2, mismatch repair system component; minus strand). Cytogenetic location: 7p22.1.
Variant type: single nucleotide variant.
Coding change: c.164-5T>C on transcript NM_000535.7 (MANE Select); 5 bases into the intron before coding-DNA position 164, T replaced by C.
Molecular consequence: intron variant.
Genome position (GRCh38, 1-based): chr7:6,004,063, A>G on the plus strand (T>C on the coding strand, the complement: PMS2 is on the minus strand). VCF-style: chr7-6004063-A-G. GRCh37 (hg19) VCF-style: chr7-6043694-A-G.
Other names: c.-52-5T>C (NM_001322008.2, NM_001322007.2); c.-242-5T>C (NM_001322010.2, NM_001322004.2, NM_001322013.2 and 3 more transcripts); c.-721-5T>C (NM_001322012.2, NM_001322011.2); c.-321-5T>C (NM_001322015.2); c.164-5T>C (NM_001322006.2, NM_001322014.2).
Identifiers: ClinVar variation 498051 (VCV000498051.17), dbSNP rs1554305071, ClinGen allele CA658796892.